The following is an entry in ClinVar:

ClinVar aggregate classification (germline): Uncertain significance (1 of 4 stars; one submission).

Conditions:
Cornelia de Lange syndrome 1 (CDLS1). Also called: Brachmann de Lange syndrome; NIPBL-Related Cornelia de Lange Syndrome; TYPUS DEGENERATIVUS AMSTELODAMENSIS. Identifiers: Orphanet 199, MedGen C4551851, MONDO:0007387, OMIM 122470.

Submission:

Victorian Clinical Genetics Services, Murdoch Childrens Research Institute
Classification: Uncertain significance for Cornelia de Lange syndrome 1. Last evaluated: 2025-04-28. Review status: criteria provided, single submitter. Criteria: ACMG Guidelines, 2015. Collection method: clinical testing. Allele origin: germline. Affected: yes.
Comment: This variant is classified as VUS-3A. Evidence in support of pathogenic classification: Non-canonical splice site variant without proven consequence on splicing (no functional evidence available); Variant is absent from gnomAD (v2, v3 and v4); Abnormal splicing is predicted by in silico tool and affected nucleotide is highly conserved; Strong phenotype match for this individual. Additional information: This variant is suspected mosaic; This gene is associated with autosomal dominant disease; This variant has no previous evidence of pathogenicity; No published segregation evidence has been identified for this variant; No published functional evidence has been identified for this variant; No comparable splice site variants have previous evidence for pathogenicity; Loss of function is a known mechanism of disease in this gene and is associated with Cornelia de Lange syndrome 1 (MIM#122470); Variants in this gene are known to have variable expressivity (PMID: 38735830); Inheritance information for this variant is not currently available in this individual.

Literature cited by the submitters: PubMed 38735830.

NM_133433.4(NIPBL):c.6108+6T>C

Gene: NIPBL (NIPBL cohesin loading factor; plus strand). Cytogenetic location: 5p13.2.
Variant type: single nucleotide variant.
Coding change: c.6108+6T>C on transcript NM_133433.4 (MANE Select); 6 bases into the intron after coding-DNA position 6108, T replaced by C.
Molecular consequence: intron variant.
Genome position (GRCh38, 1-based): chr5:37,038,744, T>C. VCF-style: chr5-37038744-T-C. GRCh37 (hg19) VCF-style: chr5-37038846-T-C.
Other names: c.6108+6T>C (NM_001438586.1, NM_015384.5).
Identifiers: ClinVar variation 4531992 (VCV004531992.1).